The following is an entry in ClinVar:

ClinVar aggregate classification (germline): Uncertain significance (1 of 4 stars; one submission).

Conditions:
Nicolaides-Baraitser syndrome (NCBRS). Also called: SMARCA2-Related Nicolaides-Baraitser Syndrome; Intellectual disability-sparse hair-brachydactyly syndrome. Identifiers: Orphanet 3051, MedGen C1303073, MONDO:0011053, OMIM 601358.
Blepharophimosis-impaired intellectual development syndrome. Identifiers: Orphanet 637013, MedGen C5443984, MONDO:0859139, OMIM 619293.

gnomAD v4.1: 1 of 1,613,994 alleles (0.000062%); no homozygotes.

Submission:

Juno Genomics, Hangzhou Juno Genomics, Inc
Classification: Uncertain significance for Blepharophimosis-impaired intellectual development syndrome; Nicolaides-Baraitser syndrome. Review status: criteria provided, single submitter. Criteria: ACMG Guidelines, 2015. Collection method: clinical testing. Allele origin: germline.
Comment: Absent from controls (or at extremely low frequency if recessive) in Genome Aggregation Database.;Multiple lines of computational evidence support a deleterious effect on the gene or gene product.

NM_003070.5(SMARCA2):c.2769+3A>G

Gene: SMARCA2 (SWI/SNF related BAF chromatin remodeling complex subunit ATPase 2; plus strand). Cytogenetic location: 9p24.3.
Variant type: single nucleotide variant.
Coding change: c.2769+3A>G on transcript NM_003070.5 (MANE Select); 3 bases into the intron after coding-DNA position 2769, A replaced by G.
Molecular consequence: intron variant.
Genome position (GRCh38, 1-based): chr9:2,087,074, A>G. VCF-style: chr9-2087074-A-G. GRCh37 (hg19) VCF-style: chr9-2087074-A-G.
Other names: c.2769+3A>G (NM_139045.4, NM_001289396.2); c.2595+177A>G (NM_001289397.2).
Identifiers: ClinVar variation 5007428 (VCV005007428.2).